The following is an entry in ClinVar:

NM_001286.5(CLCN6):c.2393G>A (p.Arg798His)

Gene: CLCN6 (chloride voltage-gated channel 6; plus strand). Cytogenetic location: 1p36.22.
Variant type: single nucleotide variant.
Coding change: c.2393G>A on transcript NM_001286.5 (MANE Select); coding-DNA position 2393, G replaced by A.
Protein change: p.Arg798His; replaces arginine 798 with histidine.
Molecular consequence: missense variant. On other transcripts: non-coding transcript variant (1).
Genome position (GRCh38, 1-based): chr1:11,838,432, G>A. VCF-style: chr1-11838432-G-A. GRCh37 (hg19) VCF-style: chr1-11898489-G-A.
Other names: c.2327G>A, p.Arg776His (NM_001256959.2); short protein forms R798H, R776H.
Identifiers: ClinVar variation 2176641 (VCV002176641.4), dbSNP rs769924243, ClinGen allele CA596819.

ClinVar aggregate classification (germline): Uncertain significance (1 of 4 stars; one submission).

gnomAD v4.1: 17 of 1,613,974 alleles (0.0011%); highest among the groups gnomAD compares: East Asian, 0.0045%; no homozygotes.

Submission:

Labcorp Genetics (formerly Invitae), Labcorp
Classification: Uncertain significance. Last evaluated: 2024-11-05. Review status: criteria provided, single submitter. Criteria: Invitae Variant Classification Sherloc (09022015). Collection method: clinical testing. Allele origin: germline.
Comment: This sequence change replaces arginine, which is basic and polar, with histidine, which is basic and polar, at codon 798 of the CLCN6 protein (p.Arg798His). This variant is present in population databases (rs769924243, gnomAD 0.01%). This variant has not been reported in the literature in individuals affected with CLCN6-related conditions. ClinVar contains an entry for this variant (Variation ID: 2176641). An algorithm developed to predict the effect of missense changes on protein structure and function (PolyPhen-2) suggests that this variant is likely to be disruptive. In summary, the available evidence is currently insufficient to determine the role of this variant in disease. Therefore, it has been classified as a Variant of Uncertain Significance.